The following is an entry in ClinVar:

ClinVar aggregate classification (germline): Uncertain significance (1 of 4 stars; one submission).

Conditions:
Hermansky-Pudlak syndrome 2 (HPS2). Also called: Platelet defects and oculocutaneous albinism. Identifiers: Orphanet 183678, Orphanet 79430, MedGen C1842362, MONDO:0011997, OMIM 608233.

Allele frequency attached by ClinVar (database versions not stated): gnomAD exomes below 0.00001.
gnomAD v4.1: 6 of 1,610,782 alleles (0.00037%); highest among the groups gnomAD compares: Non-Finnish European, 0.000085%; no homozygotes.

Submission:

Labcorp Genetics (formerly Invitae), Labcorp
Classification: Uncertain significance for Hermansky-Pudlak syndrome 2. Last evaluated: 2022-07-23. Review status: criteria provided, single submitter. Criteria: Invitae Variant Classification Sherloc (09022015). Collection method: clinical testing. Allele origin: germline.
Comment: This sequence change replaces tyrosine, which is neutral and polar, with aspartic acid, which is acidic and polar, at codon 351 of the AP3B1 protein (p.Tyr351Asp). This variant is present in population databases (no rsID available, gnomAD 0.01%). This variant has not been reported in the literature in individuals affected with AP3B1-related conditions. Algorithms developed to predict the effect of missense changes on protein structure and function are either unavailable or do not agree on the potential impact of this missense change (SIFT: "Tolerated"; PolyPhen-2: "Possibly Damaging"; Align-GVGD: "Class C0"). In summary, the available evidence is currently insufficient to determine the role of this variant in disease. Therefore, it has been classified as a Variant of Uncertain Significance.

NM_003664.5(AP3B1):c.1051T>G (p.Tyr351Asp)

Gene: AP3B1 (adaptor related protein complex 3 subunit beta 1; minus strand). Cytogenetic location: 5q14.1.
Variant type: single nucleotide variant.
Coding change: c.1051T>G on transcript NM_003664.5 (MANE Select); coding-DNA position 1051, T replaced by G.
Protein change: p.Tyr351Asp; replaces tyrosine 351 with aspartic acid.
Molecular consequence: missense variant.
Genome position (GRCh38, 1-based): chr5:78,175,828, A>C on the plus strand (T>G on the coding strand, the complement: AP3B1 is on the minus strand). VCF-style: chr5-78175828-A-C. GRCh37 (hg19) VCF-style: chr5-77471652-A-C.
Other names: c.904T>G, p.Tyr302Asp (NM_001271769.2); c.1051T>G, p.Tyr351Asp (NM_001410752.1); short protein forms Y351D, Y302D.
Identifiers: ClinVar variation 2129260 (VCV002129260.2), dbSNP rs1471311137, ClinGen allele CA360189632.